The following is an entry in ClinVar:

NM_032427.4(MAML2):c.1154C>T (p.Pro385Leu)

Gene: MAML2 (mastermind like transcriptional coactivator 2; minus strand). Cytogenetic location: 11q21.
Variant type: single nucleotide variant.
Coding change: c.1154C>T on transcript NM_032427.4 (MANE Select); coding-DNA position 1154, C replaced by T.
Protein change: p.Pro385Leu; replaces proline 385 with leucine.
Molecular consequence: missense variant.
Genome position (GRCh38, 1-based): chr11:96,092,877, G>A on the plus strand (C>T on the coding strand, the complement: MAML2 is on the minus strand). VCF-style: chr11-96092877-G-A. GRCh37 (hg19) VCF-style: chr11-95826041-G-A.
Other names: short protein forms P385L.
Identifiers: ClinVar variation 1049697 (VCV001049697.1), dbSNP rs200175200, ClinGen allele CA6241013.

ClinVar aggregate classification (germline): Uncertain significance (0 of 4 stars; one submission).

Allele frequency attached by ClinVar (database versions not stated): ESP Exome Variant Server 0.00008; gnomAD 0.00011; gnomAD exomes 0.00014 and 0.00027; TOPMed 0.00014; ExAC 0.00020.
gnomAD v4.1: 236 of 1,605,448 alleles (0.015%); highest among the groups gnomAD compares: South Asian, 0.0045%; no homozygotes.

Submission:

Department of Pathology and Laboratory Medicine, Sinai Health System
Classification: Uncertain significance. Review status: no assertion criteria provided. Collection method: clinical testing. Allele origin: unknown. Affected: yes. Study: The Canadian Open Genetics Repository (COGR).
Comment: The MAML2 p.Pro385Leu variant was not identified in the literature nor was it identified in ClinVar or LOVD 3.0. The variant was identified in dbSNP (ID: rs200175200) and in control databases in 67 of 269616 chromosomes at a frequency of 0.0002485 (Genome Aggregation Database March 6, 2019, v2.1.1). The variant was observed in the following populations: Ashkenazi Jewish in 52 of 9460 chromosomes (freq: 0.005497), Other in 3 of 6866 chromosomes (freq: 0.000437), East Asian in 2 of 19100 chromosomes (freq: 0.000105), European (non-Finnish) in 8 of 123320 chromosomes (freq: 0.000065), South Asian in 1 of 28406 chromosomes (freq: 0.000035) and Latino in 1 of 34466 chromosomes (freq: 0.000029), but was not observed in the African or European (Finnish) populations. The p.Pro385 residue is conserved in mammals and computational analyses (PolyPhen-2, SIFT, AlignGVGD, BLOSUM, MutationTaster) provide inconsistent predictions regarding the impact to the protein; this information is not very predictive of pathogenicity. The variant occurs outside of the splicing consensus sequence and in silico or computational prediction software programs (SpliceSiteFinder, MaxEntScan, NNSPLICE, GeneSplicer) do not predict a difference in splicing. In summary, based on the above information the clinical significance of this variant cannot be determined with certainty at this time. This variant is classified as a variant of uncertain significance.